The following is an entry in ClinVar:

ClinVar aggregate classification (germline): Uncertain significance (1 of 4 stars; one submission).

Submission:

Labcorp Genetics (formerly Invitae), Labcorp
Classification: Uncertain significance. Last evaluated: 2023-05-05. Review status: criteria provided, single submitter. Criteria: Invitae Variant Classification Sherloc (09022015). Collection method: clinical testing. Allele origin: germline.
Comment: This variant has not been reported in the literature in individuals affected with IRF9-related conditions. This sequence change replaces tryptophan, which is neutral and slightly polar, with arginine, which is basic and polar, at codon 80 of the IRF9 protein (p.Trp80Arg). This variant is not present in population databases (gnomAD no frequency). An algorithm developed to predict the effect of missense changes on protein structure and function (PolyPhen-2) suggests that this variant is likely to be disruptive. In summary, the available evidence is currently insufficient to determine the role of this variant in disease. Therefore, it has been classified as a Variant of Uncertain Significance.

NM_006084.5(IRF9):c.238T>C (p.Trp80Arg)

Gene: IRF9 (interferon regulatory factor 9; plus strand). Cytogenetic location: 14q12.
Variant type: single nucleotide variant.
Coding change: c.238T>C on transcript NM_006084.5 (MANE Select); coding-DNA position 238, T replaced by C.
Protein change: p.Trp80Arg; replaces tryptophan 80 with arginine.
Molecular consequence: missense variant.
Genome position (GRCh38, 1-based): chr14:24,163,023, T>C. VCF-style: chr14-24163023-T-C. GRCh37 (hg19) VCF-style: chr14-24632232-T-C.
Other names: c.238T>C, p.Trp80Arg (NM_001385400.1, NM_001385401.1, NM_001385402.1); short protein forms W80R.
Identifiers: ClinVar variation 2861307 (VCV002861307.3), dbSNP rs2502039163, ClinGen allele CA389201523.